The following is an entry in ClinVar:

ClinVar aggregate classification (germline): Likely benign (1 of 4 stars; one submission).

Allele frequency attached by ClinVar (database versions not stated): TOPMed 0.00019; 1000 Genomes Project 0.00020; 1000 Genomes Project 30x 0.00031; gnomAD 0.00037; ESP Exome Variant Server 0.00050; gnomAD exomes 0.00050; ExAC 0.00065.
gnomAD v4.1: 776 of 1,612,690 alleles (0.048%); highest among the groups gnomAD compares: South Asian, 0.26%; 2 homozygotes.

Submission:

CeGaT Center for Human Genetics Tuebingen
Classification: Likely benign. Last evaluated: 2022-08-01. Review status: criteria provided, single submitter. Criteria: CeGaT Center For Human Genetics Tuebingen Variant Classification Criteria Version 2. Collection method: clinical testing. Allele origin: germline. Affected: yes. Observed: 1 variant allele.
Comment: TMPRSS7: BP4, BP7

NM_001395507.1(TMPRSS7):c.1383G>A (p.Gln461=)

Gene: TMPRSS7 (transmembrane serine protease 7; plus strand). Cytogenetic location: 3q13.2.
Variant type: single nucleotide variant.
Coding change: c.1383G>A on transcript NM_001395507.1 (MANE Select); coding-DNA position 1383, G replaced by A.
Protein change: p.Gln461=; no amino-acid change (glutamine 461 retained).
Molecular consequence: synonymous variant. On other transcripts: non-coding transcript variant (1).
Genome position (GRCh38, 1-based): chr3:112,061,859, G>A. VCF-style: chr3-112061859-G-A. GRCh37 (hg19) VCF-style: chr3-111780706-G-A.
Other names: c.1005G>A, p.Gln335= (NM_001042575.2); c.972G>A, p.Gln324= (NM_001366279.2).
Identifiers: ClinVar variation 2654029 (VCV002654029.24), dbSNP rs370856661, ClinGen allele CA2536930.
Genomic context (GRCh38, chr3:112,061,859, plus strand): 5'-CTACATGGATCATCAGACAATTTTTCGAGTGCCCAGCCCTCTGGTTCACATTCAGCTCCA[G>A]TGCAGTTCAAGGCTTTCAGACAAGCCACTTTTGGCAGAATATGGCAGTTACAACATCAGT-3'
Protein context (NP_001382436.1, residues 451-471): VPSPLVHIQL[Gln461=]CSSRLSDKPL